The following is an entry in ClinVar:

NM_000709.4(BCKDHA):c.317A>G (p.Tyr106Cys)

Gene: BCKDHA (branched chain keto acid dehydrogenase E1 subunit alpha; plus strand). Cytogenetic location: 19q13.2.
Variant type: single nucleotide variant.
Coding change: c.317A>G on transcript NM_000709.4 (MANE Select); coding-DNA position 317, A replaced by G.
Protein change: p.Tyr106Cys; replaces tyrosine 106 with cysteine.
Molecular consequence: missense variant.
Genome position (GRCh38, 1-based): chr19:41,410,951, A>G. VCF-style: chr19-41410951-A-G. GRCh37 (hg19) VCF-style: chr19-41916856-A-G.
Other names: c.317A>G, p.Tyr106Cys (NM_001164783.2); short protein forms Y106C.
Identifiers: ClinVar variation 4293004 (VCV004293004.1).

ClinVar aggregate classification (germline): Uncertain significance (1 of 4 stars; one submission).

Conditions:
Maple syrup urine disease type 1A (MSUD1A). Also called: MSUD type 1A. Identifiers: MedGen C1855369, MONDO:0023691, OMIM 248600.

gnomAD v4.1: 3 of 1,614,128 alleles (0.00019%); highest among the groups gnomAD compares: South Asian, 0.0022%; no homozygotes.

Submission:

3billion
Classification: Uncertain significance for Maple syrup urine disease type 1A. Last evaluated: 2024-08-30. Review status: criteria provided, single submitter. Criteria: ACMG Guidelines, 2015. Collection method: clinical testing. Allele origin: germline. Affected: yes.
Comment: The variant is observed at an extremely low frequency in the gnomAD v4.0.0 dataset (total allele frequency: <0.001%). Predicted Consequence/Location: Missense variant In silico tool predictions suggest damaging effect of the variant on gene or gene product [REVEL: 0.98 (>=0.6, sensitivity 0.68 and specificity 0.92); 3Cnet: 0.61 (>=0.6, sensitivity 0.72 and precision 0.9)]. Therefore, this variant is classified as VUS according to the recommendation of ACMG/AMP guideline.